The following is an entry in ClinVar:

NM_024665.7(TBL1XR1):c.943_945del (p.Asp315del)

Genes: TBL1XR1 (TBL1X/Y related 1; minus strand), TBL1XR1-AS1 (TBL1XR1 antisense RNA 1; plus strand), LOC126806878 (CDK7 strongly-dependent group 2 enhancer GRCh37_chr3:176755168-176756367; plus strand). Cytogenetic location: 3q26.32.
Variant type: Deletion.
Coding change: c.943_945del on transcript NM_024665.7 (MANE Select); coding-DNA positions 943 to 945, 3 bases deleted (GAT; older notation c.943_945delGAT).
Protein change: p.Asp315del; deletes aspartic acid 315.
Molecular consequence: inframe deletion.
Genome position (GRCh38, 1-based): chr3:177,038,415-177,038,417, ATC deleted on the plus strand (GAT on the coding strand, the reverse complement: TBL1XR1 is on the minus strand); deleting any 3 consecutive bases within chr3:177,038,415-177,038,418 gives the same sequence; the c. name uses the placement nearest the transcript's 3' end. VCF-style (leftmost placement, unchanged base first): chr3-177038414-AATC-A. GRCh37 (hg19) VCF-style: chr3-176756202-AATC-A.
Other names: c.943_945delGAT (NM_024665.4); c.943_945del, p.Asp315del (NM_001321193.3, NM_001321194.3, NM_001374327.1 and 2 more transcripts); c.682_684del, p.Asp228del (NM_001321195.3, NM_001374330.1); short protein forms D315del, D228del.
Identifiers: ClinVar variation 452527 (VCV000452527.5), dbSNP rs1553810269, ClinGen allele CA658657346.

ClinVar aggregate classification (germline): Likely pathogenic (1 of 4 stars; one submission).

Conditions:
TBL1XR1-related disorder. Also called: TBL1XR1-related condition; TBL1XR1-related disorders. Identifiers: MedGen CN382633, MONDO:1060313.

Submission:

GeneDx
Classification: Likely pathogenic. Last evaluated: 2020-01-03. Review status: criteria provided, single submitter. Criteria: GeneDx Variant Classification Process June 2021. Collection method: clinical testing. Allele origin: germline. Affected: yes.
Comment: Not observed in large population cohorts (Lek et al., 2016); In-frame deletion of 1 amino acids in a non-repeat region; In silico analysis, which includes protein predictors and evolutionary conservation, supports a deleterious effect; Has not been previously published as pathogenic or benign to our knowledge